The following is an entry in ClinVar:

ClinVar aggregate classification (germline): Uncertain significance (1 of 4 stars; one submission).

Conditions:
Long QT syndrome (LQTS). Identifiers: MedGen C0023976, MeSH D008133, MONDO:0002442. Disease mechanism: loss of function. Inheritance: Various modes of inheritance.

Submission:

Labcorp Genetics (formerly Invitae), Labcorp
Classification: Uncertain significance for Long QT syndrome. Last evaluated: 2024-04-16. Review status: criteria provided, single submitter. Criteria: Invitae Variant Classification Sherloc (09022015). Collection method: clinical testing. Allele origin: germline.
Comment: This sequence change falls in intron 25 of the CACNA1C gene. It does not directly change the encoded amino acid sequence of the CACNA1C protein. This variant is not present in population databases (gnomAD no frequency). This variant has not been reported in the literature in individuals affected with CACNA1C-related conditions. Algorithms developed to predict the effect of sequence changes on RNA splicing suggest that this variant may create or strengthen a splice site. In summary, the available evidence is currently insufficient to determine the role of this variant in disease. Therefore, it has been classified as a Variant of Uncertain Significance.

NM_000719.7(CACNA1C):c.3209+13G>A

Gene: CACNA1C (calcium voltage-gated channel subunit alpha1 C; plus strand). Cytogenetic location: 12p13.33.
Variant type: single nucleotide variant.
Coding change: c.3209+13G>A on transcript NM_000719.7 (MANE Select); 13 bases into the intron after coding-DNA position 3209, G replaced by A.
Molecular consequence: intron variant.
Genome position (GRCh38, 1-based): chr12:2,606,676, G>A. VCF-style: chr12-2606676-G-A. GRCh37 (hg19) VCF-style: chr12-2715842-G-A.
Other names: c.3209+13G>A (NM_001167624.3, NM_001167623.2, NM_001167625.2 and 15 more transcripts); c.3269+13G>A (NM_199460.4, NM_001129827.2, NM_001129832.2); c.3200+13G>A (NM_001129844.2).
Identifiers: ClinVar variation 3705026 (VCV003705026.2).
Genomic context (GRCh38, chr12:2,606,676, plus strand): 5'-GCTGTACACCTGTTCAGACAGTTCCAAGCAGACAGAGGCGGAATGCAAGTGAGTAGAGGT[G>A]GGAGGGCAGCCAGGGCCACGGCCGGTCAGCCCCAGGAGGCTGGAGGCTTGACCAGAAAGG-3'